The following is an entry in ClinVar:

NM_006767.4(LZTR1):c.193_195delinsA (p.Gly65fs)

Gene: LZTR1 (leucine zipper like post translational regulator 1; plus strand). Cytogenetic location: 22q11.21.
Variant type: Indel.
Coding change: c.193_195delinsA on transcript NM_006767.4 (MANE Select); coding-DNA positions 193 to 195, GGT replaced by A.
Protein change: p.Gly65fs; shifts the reading frame from glycine 65.
Molecular consequence: frameshift variant.
Genome position (GRCh38, 1-based): chr22:20,982,564-20,982,566, GGT replaced by A. VCF-style: chr22-20982564-GGT-A. GRCh37 (hg19) VCF-style: chr22-21336853-GGT-A.
Other names: short protein forms G65fs.
Identifiers: ClinVar variation 1782871 (VCV001782871.2), dbSNP rs2518608027, ClinGen allele CA2580099167.

ClinVar aggregate classification (germline): Pathogenic (1 of 4 stars; one submission).

Conditions:
Hereditary cancer-predisposing syndrome. Also called: Neoplastic Syndromes, Hereditary; Tumor predisposition; Hereditary Cancer Syndrome; Hereditary neoplastic syndrome. Identifiers: Orphanet 140162, MedGen C0027672, MeSH D009386, MONDO:0015356.
Cardiovascular phenotype. Identifiers: MedGen CN230736.

Submission:

Ambry Genetics
Classification: Pathogenic for Cardiovascular phenotype; Hereditary cancer-predisposing syndrome. Last evaluated: 2022-10-25. Review status: criteria provided, single submitter. Criteria: Ambry Variant Classification Scheme 2023. Collection method: clinical testing. Allele origin: germline.
Comment: The c.193_195delGGTinsA pathogenic mutation, located in coding exon 1 of the LZTR1 gene, results from the deletion of 3 nucleotides and insertion of one nucleotide causing a translational frameshift with a predicted alternate stop codon (p.G65Sfs*12). This variant is considered to be rare based on population cohorts in the Genome Aggregation Database (gnomAD). This alteration is expected to result in loss of function by premature protein truncation or nonsense-mediated mRNA decay. Loss-of-function variants in LZTR1 are related to an increased risk for schwannomas and autosomal recessive Noonan syndrome; however, such associations with autosomal dominant Noonan syndrome have not been observed (Piotrowski A et al. Nat Genet. 2014 Feb;46:182-7; Yamamoto GL et al. J Med Genet. 2015 Jun;52:413-21; Johnston JJ et al. Genet Med. 2018 10;20:1175-1185). Based on the supporting evidence, this variant is pathogenic for an increased risk of LZTR1-related schwannomatosis (SWN) and would be expected to cause autosomal recessive Noonan syndrome when present along with a second pathogenic or likely pathogenic variant on the other allele; however, the association of this alteration with autosomal dominant Noonan syndrome is unlikely.